The following is an entry in ClinVar:

ClinVar aggregate classification (germline): Uncertain significance (1 of 4 stars; one submission).

Conditions:
Intellectual developmental disorder, autosomal recessive 69 (NEDMCB). Also called: NEURODEVELOPMENTAL DISORDER WITH PROGRESSIVE MOVEMENT ABNORMALITIES, COGNITIVE DECLINE, AND BRAIN ABNORMALITIES. Identifiers: Orphanet 699835, MedGen C5193067, MONDO:0032715, OMIM 618383.

Allele frequency attached by ClinVar (database versions not stated): gnomAD 0.00001 and 0.00002; gnomAD exomes 0.00002 and 0.00003; TOPMed 0.00002; ExAC 0.00002.
gnomAD v4.1: 44 of 1,614,110 alleles (0.0027%); highest among the groups gnomAD compares: Middle Eastern, 0.18%; no homozygotes.

Submission:

Baylor Genetics
Classification: Uncertain significance for Intellectual developmental disorder, autosomal recessive 69. Last evaluated: 2019-10-25. Review status: criteria provided, single submitter. Criteria: ACMG Guidelines, 2015. Collection method: clinical testing. Allele origin: unknown. Affected: yes.
Comment: This variant was determined to be of uncertain significance according to ACMG Guidelines, 2015 [PMID:25741868].

NM_014415.4(ZBTB11):c.1342A>C (p.Ser448Arg)

Gene: ZBTB11 (zinc finger and BTB domain containing 11; minus strand). Cytogenetic location: 3q12.3.
Variant type: single nucleotide variant.
Coding change: c.1342A>C on transcript NM_014415.4 (MANE Select); coding-DNA position 1342, A replaced by C.
Protein change: p.Ser448Arg; replaces serine 448 with arginine.
Molecular consequence: missense variant.
Genome position (GRCh38, 1-based): chr3:101,665,245, T>G on the plus strand (A>C on the coding strand, the complement: ZBTB11 is on the minus strand). VCF-style: chr3-101665245-T-G. GRCh37 (hg19) VCF-style: chr3-101384089-T-G.
Other names: short protein forms S448R.
Identifiers: ClinVar variation 1027862 (VCV001027862.1), dbSNP rs760062265, ClinGen allele CA2521204.